The following is an entry in ClinVar:

NM_000444.6(PHEX):c.186G>A (p.Ala62=)

Gene: PHEX (phosphate regulating endopeptidase X-linked; plus strand). Cytogenetic location: Xp22.11.
Variant type: single nucleotide variant.
Coding change: c.186G>A on transcript NM_000444.6 (MANE Select); coding-DNA position 186, G replaced by A.
Protein change: p.Ala62=; no amino-acid change (alanine 62 retained).
Molecular consequence: synonymous variant.
Genome position (GRCh38, 1-based): chrX:22,038,536, G>A. VCF-style: chrX-22038536-G-A. GRCh37 (hg19) VCF-style: chrX-22056654-G-A.
Other names: c.186G>A, p.Ala62= (NM_001282754.2).
Identifiers: ClinVar variation 2427885 (VCV002427885.7), dbSNP rs751752229, ClinGen allele CA10367986.

ClinVar aggregate classification (germline): Uncertain significance (1 of 4 stars; one submission).

Allele frequency attached by ClinVar (database versions not stated): TOPMed below 0.00001; ExAC 0.00001; gnomAD 0.00001.
gnomAD v4.1: 5 of 1,162,649 alleles (0.00043%); highest among the groups gnomAD compares: South Asian, 0.0036%; no homozygotes.

Submission:

Labcorp Genetics (formerly Invitae), Labcorp
Classification: Uncertain significance. Last evaluated: 2024-10-16. Review status: criteria provided, single submitter. Criteria: Invitae Variant Classification Sherloc (09022015). Collection method: clinical testing. Allele origin: germline.
Comment: This sequence change affects codon 62 of the PHEX mRNA. It is a 'silent' change, meaning that it does not change the encoded amino acid sequence of the PHEX protein. It affects a nucleotide within the consensus splice site. This variant is present in population databases (rs751752229, gnomAD 0.005%), including at least one homozygous and/or hemizygous individual. This variant has not been reported in the literature in individuals affected with PHEX-related conditions. ClinVar contains an entry for this variant (Variation ID: 2427885). Algorithms developed to predict the effect of sequence changes on RNA splicing suggest that this variant is not likely to affect RNA splicing. In summary, the available evidence is currently insufficient to determine the role of this variant in disease. Therefore, it has been classified as a Variant of Uncertain Significance.